The following is an entry in ClinVar:

NM_013275.6(ANKRD11):c.301G>A (p.Gly101Arg)

Gene: ANKRD11 (ankyrin repeat domain 11; minus strand). Cytogenetic location: 16q24.3.
Variant type: single nucleotide variant.
Coding change: c.301G>A on transcript NM_013275.6 (MANE Select); coding-DNA position 301, G replaced by A.
Protein change: p.Gly101Arg; replaces glycine 101 with arginine.
Molecular consequence: missense variant. On other transcripts: non-coding transcript variant (1).
Genome position (GRCh38, 1-based): chr16:89,291,109, C>T on the plus strand (G>A on the coding strand, the complement: ANKRD11 is on the minus strand). VCF-style: chr16-89291109-C-T. GRCh37 (hg19) VCF-style: chr16-89357517-C-T.
Other names: c.301G>A, p.Gly101Arg (NM_001256182.2, NM_001256183.2); short protein forms G101R.
Identifiers: ClinVar variation 931548 (VCV000931548.34), dbSNP rs1373571533, ClinGen allele CA397167762.

ClinVar aggregate classification (germline): Conflicting classifications of pathogenicity. Review status: criteria provided, conflicting classifications (1 of 4 stars). 5 submissions from 5 submitters: Uncertain significance (4); Likely benign (1). Last evaluated 2023-11-07.

Conditions:
Inborn genetic diseases. Identifiers: MedGen C0950123, MeSH D030342.
KBG syndrome (KBGS). Also called: ANKRD11-Related KBG Syndrome. Identifiers: Orphanet 2332, MedGen C0220687, MONDO:0007846, OMIM 148050.

Allele frequency attached by ClinVar (database versions not stated): gnomAD 0.00002; gnomAD exomes 0.00002; TOPMed 0.00002.
gnomAD v4.1: 28 of 1,613,812 alleles (0.0017%); highest among the groups gnomAD compares: Non-Finnish European, 0.0024%; no homozygotes.

Submissions (5):

Blueprint Genetics
Classification: Uncertain significance. Last evaluated: 2023-11-07. Review status: criteria provided, single submitter. Criteria: ACMG Guidelines, 2015. Collection method: clinical testing. Allele origin: germline.

CeGaT Center for Human Genetics Tuebingen
Classification: Uncertain significance. Last evaluated: 2023-01-01. Review status: criteria provided, single submitter. Criteria: CeGaT Center For Human Genetics Tuebingen Variant Classification Criteria Version 2. Collection method: clinical testing. Allele origin: germline. Affected: yes. Observed: 1 variant allele.

Labcorp Genetics (formerly Invitae), Labcorp
Classification: Uncertain significance for KBG syndrome. Last evaluated: 2022-08-09. Review status: criteria provided, single submitter. Criteria: Invitae Variant Classification Sherloc (09022015). Collection method: clinical testing. Allele origin: germline.
Comment: In summary, the available evidence is currently insufficient to determine the role of this variant in disease. Therefore, it has been classified as a Variant of Uncertain Significance. Advanced modeling of protein sequence and biophysical properties (such as structural, functional, and spatial information, amino acid conservation, physicochemical variation, residue mobility, and thermodynamic stability) performed at Invitae indicates that this missense variant is expected to disrupt ANKRD11 protein function. ClinVar contains an entry for this variant (Variation ID: 931548). This variant has not been reported in the literature in individuals affected with ANKRD11-related conditions. This variant is not present in population databases (gnomAD no frequency). This sequence change replaces glycine, which is neutral and non-polar, with arginine, which is basic and polar, at codon 101 of the ANKRD11 protein (p.Gly101Arg).

Ambry Genetics
Classification: Uncertain significance for Inborn genetic diseases. Last evaluated: 2019-12-12. Review status: criteria provided, single submitter. Criteria: Ambry Variant Classification Scheme 2023. Collection method: clinical testing. Allele origin: germline.
Comment: The p.G101R variant (also known as c.301G>A), located in coding exon 3 of the ANKRD11 gene, results from a G to A substitution at nucleotide position 301. The glycine at codon 101 is replaced by arginine, an amino acid with dissimilar properties. This amino acid position is highly conserved in available vertebrate species. In addition, this alteration is predicted to be deleterious by in silico analysis. Since supporting evidence is limited at this time, the clinical significance of this alteration remains unclear.

Centre for Mendelian Genomics, University Medical Centre Ljubljana
Classification: Likely benign for KBG syndrome. Last evaluated: 2016-01-01. Review status: criteria provided, single submitter. Criteria: ACMG Guidelines, 2015. Collection method: clinical testing. Allele origin: unknown. Affected: yes.
Comment: This variant was classified as: Likely benign.